The following is an entry in ClinVar:

ClinVar aggregate classification (germline): Conflicting classifications of pathogenicity. Review status: criteria provided, conflicting classifications (1 of 4 stars). 5 submissions from 5 submitters: Uncertain significance (4); Likely benign (1). Last evaluated 2025-10-13.

Conditions:
Hypertrophic cardiomyopathy 10. Also called: MYL2-Related Familial Hypertrophic Cardiomyopathy; CARDIOMYOPATHY, HYPERTROPHIC, MID-LEFT VENTRICULAR CHAMBER TYPE, 2. Identifiers: MedGen C1834460, MONDO:0012112, OMIM 608758.
Hypertrophic cardiomyopathy. Also called: HYPERTROPHIC MYOCARDIOPATHY. Identifiers: Orphanet 217569, MedGen C0007194, MeSH D002312, MONDO:0005045, HP:0001639.
Cardiovascular phenotype. Identifiers: MedGen CN230736.
Cardiomyopathy (CMYO). Also called: Cardiomyopathies. Identifiers: Orphanet 167848, MedGen C0878544, MONDO:0004994, HP:0001638. Inheritance: Various modes of inheritance.

Allele frequency attached by ClinVar (database versions not stated): gnomAD exomes 0.00001 and 0.00002; ExAC 0.00003; TOPMed 0.00003.
gnomAD v4.1: 9 of 1,613,740 alleles (0.00056%); highest among the groups gnomAD compares: African/African-American, 0.0093%; no homozygotes.

Submissions (5):

Labcorp Genetics (formerly Invitae), Labcorp
Classification: Uncertain significance for Hypertrophic cardiomyopathy 10. Last evaluated: 2025-10-13. Review status: criteria provided, single submitter. Criteria: Invitae Variant Classification Sherloc (09022015). Collection method: clinical testing. Allele origin: germline.
Comment: This sequence change replaces phenylalanine, which is neutral and non-polar, with leucine, which is neutral and non-polar, at codon 86 of the MYL2 protein (p.Phe86Leu). This variant is present in population databases (rs765287559, gnomAD 0.03%). This missense change has been observed in individual(s) with hypertrophic cardiomyopathy (PMID: 37652022). ClinVar contains an entry for this variant (Variation ID: 664326). An algorithm developed to predict the effect of missense changes on protein structure and function (PolyPhen-2) suggests that this variant is likely to be disruptive. In summary, the available evidence is currently insufficient to determine the role of this variant in disease. Therefore, it has been classified as a Variant of Uncertain Significance.

Ambry Genetics
Classification: Likely benign for Cardiovascular phenotype. Last evaluated: 2025-02-05. Review status: criteria provided, single submitter. Criteria: Ambry Variant Classification Scheme 2023. Collection method: clinical testing. Allele origin: germline.

All of Us Research Program, National Institutes of Health
Classification: Uncertain significance for Hypertrophic cardiomyopathy. Last evaluated: 2024-02-22. Review status: criteria provided, single submitter. Criteria: ACMG Guidelines, 2015. Collection method: clinical testing. Allele origin: germline. Inheritance: Autosomal dominant inheritance. Observed: 2 variant alleles, 2 heterozygotes.
Comment: This missense variant replaces phenylalanine with leucine at codon 86 of the MYL2 protein. Computational prediction suggests that this variant may have deleterious impact on protein structure and function (internally defined REVEL score threshold >= 0.7, PMID: 27666373). To our knowledge, functional studies have not been reported for this variant. This variant has not been reported in individuals affected with MYL2-related disorders in the literature. This variant has been identified in 5/251492 chromosomes in the general population by the Genome Aggregation Database (gnomAD). The available evidence is insufficient to determine the role of this variant in disease conclusively. Therefore, this variant is classified as a Variant of Uncertain Significance.

This study involves interpretation of variants in research participants for the purpose of population health screening. Participant phenotype was not available at the time of variant classification. Additional details can be found in publication PMID: 35346344, PMCID: PMC8962531

Color Diagnostics, LLC DBA Color Health
Classification: Uncertain significance for Cardiomyopathy. Last evaluated: 2024-01-30. Review status: criteria provided, single submitter. Criteria: ACMG Guidelines, 2015. Collection method: clinical testing. Allele origin: germline.
Comment: This missense variant replaces phenylalanine with leucine at codon 86 of the MYL2 protein. Computational prediction suggests that this variant may have deleterious impact on protein structure and function (internally defined REVEL score threshold >= 0.7, PMID: 27666373). To our knowledge, functional studies have not been reported for this variant. This variant has not been reported in individuals affected with MYL2-related disorders in the literature. This variant has been identified in 5/251492 chromosomes in the general population by the Genome Aggregation Database (gnomAD). The available evidence is insufficient to determine the role of this variant in disease conclusively. Therefore, this variant is classified as a Variant of Uncertain Significance.

AiLife Diagnostics
Classification: Uncertain significance. Last evaluated: 2022-01-28. Review status: criteria provided, single submitter. Criteria: ACMG Guidelines, 2015. Collection method: clinical testing. Allele origin: germline. Affected: yes. Observed: 1 variant allele.

Literature cited by the submitters: PubMed 37652022 (cited by Labcorp Genetics (formerly Invitae), Labcorp and Ambry Genetics).

NM_000432.4(MYL2):c.256T>C (p.Phe86Leu)

Gene: MYL2 (myosin light chain 2; minus strand). Cytogenetic location: 12q24.11.
Variant type: single nucleotide variant.
Coding change: c.256T>C on transcript NM_000432.4 (MANE Select); coding-DNA position 256, T replaced by C.
Protein change: p.Phe86Leu; replaces phenylalanine 86 with leucine.
Molecular consequence: missense variant.
Genome position (GRCh38, 1-based): chr12:110,914,204, A>G on the plus strand (T>C on the coding strand, the complement: MYL2 is on the minus strand). VCF-style: chr12-110914204-A-G. GRCh37 (hg19) VCF-style: chr12-111352008-A-G.
Other names: short protein forms F86L.
Identifiers: ClinVar variation 664326 (VCV000664326.14), dbSNP rs765287559, ClinGen allele CA040901.